The following is an entry in ClinVar:

NM_000038.6(APC):c.3869_3870del (p.Asn1290fs)

Gene: APC (APC regulator of Wnt signaling pathway; plus strand). Cytogenetic location: 5q22.2.
Variant type: Deletion.
Coding change: c.3869_3870del on transcript NM_000038.6 (MANE Select); coding-DNA positions 3869 to 3870, 2 bases deleted (AT; older notation c.3869_3870delAT).
Protein change: p.Asn1290fs; shifts the reading frame from asparagine 1290.
Molecular consequence: frameshift variant. On other transcripts: non-coding transcript variant (2).
Genome position (GRCh38, 1-based): chr5:112,839,463-112,839,464, AT deleted. VCF-style (leftmost placement, unchanged base first): chr5-112839462-AAT-A. GRCh37 (hg19) VCF-style: chr5-112175159-AAT-A.
Other names: c.3869_3870del, p.Asn1290fs (NM_001407450.1, NM_001127510.3, NM_001354895.2); c.3848_3849del, p.Asn1283fs (NM_001407451.1); c.3839_3840del, p.Asn1280fs (NM_001407452.1); c.3020_3021del, p.Asn1007fs (NM_001407470.1, NM_001354906.2); c.2717_2718del, p.Asn906fs (NM_001407471.1, NM_001407472.1); c.3815_3816del, p.Asn1272fs (NM_001127511.3); c.3923_3924del, p.Asn1308fs (NM_001354896.2, NM_001407447.1, NM_001407448.1 and 1 more transcripts); c.3899_3900del, p.Asn1300fs (NM_001354897.2); and 11 more; short protein forms N1161fs, N1207fs, N1231fs, N1280fs, N1300fs, N906fs, N1249fs, N1262fs.
Identifiers: ClinVar variation 3304660 (VCV003304660.1).

ClinVar aggregate classification (germline): Pathogenic (1 of 4 stars; one submission).

Conditions:
Hereditary cancer-predisposing syndrome. Also called: Tumor predisposition; Hereditary Cancer Syndrome; Hereditary neoplastic syndrome; Neoplastic Syndromes, Hereditary. Identifiers: Orphanet 140162, MedGen C0027672, MeSH D009386, MONDO:0015356.

Submission:

Ambry Genetics
Classification: Pathogenic for Hereditary cancer-predisposing syndrome. Last evaluated: 2024-04-27. Review status: criteria provided, single submitter. Criteria: Ambry Variant Classification Scheme 2023. Collection method: clinical testing. Allele origin: germline.
Comment: The c.3869_3870delAT pathogenic mutation, located in coding exon 15 of the APC gene, results from a deletion of two nucleotides at nucleotide positions 3869 to 3870, causing a translational frameshift with a predicted alternate stop codon (p.N1290Tfs*10). This alteration occurs at the 3' terminus of theAPC gene, is not expected to trigger nonsense-mediated mRNA decay, and impacts the last 1554 amino acids of the protein. However, premature stop codons are typically deleterious in nature and a significant portion of the protein is affected (Ambry internal data). This variant has been observed in at least one individual with a personal and/or family history that is consistent with APC-associated polyposis (Ambry internal data). This variant is considered to be rare based on population cohorts in the Genome Aggregation Database (gnomAD). Based on the supporting evidence, this variant is interpreted as a disease-causing mutation.